The following is an entry in ClinVar:

NC_000007.13:g.(?_137761265)_(141759786_?)dup

Genes: ADCK2 (aarF domain containing kinase 2; plus strand), AGK (acylglycerol kinase; plus strand), AKR1D1 (aldo-keto reductase family 1 member D1; plus strand), ATP6V0A4 (ATPase H+ transporting V0 subunit a4; minus strand), BRAF (B-Raf proto-oncogene, serine/threonine kinase; minus strand) and 34 more. Cytogenetic location: 7q33-34.
Variant type: Duplication.
Identifiers: ClinVar variation 1450681 (VCV001450681.1).

ClinVar aggregate classification (germline): Uncertain significance (1 of 4 stars; one submission).

Submission:

Labcorp Genetics (formerly Invitae), Labcorp
Classification: Uncertain significance. Last evaluated: 2021-05-05. Review status: criteria provided, single submitter. Criteria: Invitae Variant Classification Sherloc (09022015). Collection method: clinical testing. Allele origin: germline.
Comment: A copy number gain of the genomic region encompassing the full coding sequence of the TBXAS1 gene has been identified. The boundaries of this event are unknown as they extend beyond the assayed region for this gene and therefore may encompass additional genes. As the precise location of this event is unknown, it may be in tandem or it may be located elsewhere in the genome. This variant has not been reported in the literature in individuals with TBXAS1-related conditions. In summary, the available evidence is currently insufficient to determine the role of this variant in disease. Therefore, it has been classified as a Variant of Uncertain Significance.